The following is an entry in ClinVar:

NM_014727.3(KMT2B):c.89G>T (p.Gly30Val)

Genes: KMT2B (lysine methyltransferase 2B; plus strand), LOC130064257 (ATAC-STARR-seq lymphoblastoid silent region 10534; plus strand). Cytogenetic location: 19q13.12.
Variant type: single nucleotide variant.
Coding change: c.89G>T on transcript NM_014727.3 (MANE Select); coding-DNA position 89, G replaced by T.
Protein change: p.Gly30Val; replaces glycine 30 with valine.
Molecular consequence: missense variant.
Genome position (GRCh38, 1-based): chr19:35,718,107, G>T. VCF-style: chr19-35718107-G-T. GRCh37 (hg19) VCF-style: chr19-36209009-G-T.
Other names: short protein forms G30V.
Identifiers: ClinVar variation 4777562 (VCV004777562.1).

ClinVar aggregate classification (germline): Uncertain significance (1 of 4 stars; one submission).

Submission:

Labcorp Genetics (formerly Invitae), Labcorp
Classification: Uncertain significance. Last evaluated: 2025-11-27. Review status: criteria provided, single submitter. Criteria: Invitae Variant Classification Sherloc (09022015). Collection method: clinical testing. Allele origin: germline.
Comment: This sequence change replaces glycine, which is neutral and non-polar, with valine, which is neutral and non-polar, at codon 30 of the KMT2B protein (p.Gly30Val). The frequency data for this variant in the population databases is considered unreliable, as metrics indicate insufficient coverage at this position in the gnomAD database. This variant has not been reported in the literature in individuals affected with KMT2B-related conditions. Invitae Evidence Modeling of protein sequence and biophysical properties (such as structural, functional, and spatial information, amino acid conservation, physicochemical variation, residue mobility, and thermodynamic stability) indicates that this missense variant is expected to disrupt KMT2B protein function with a positive predictive value of 80%. In summary, the available evidence is currently insufficient to determine the role of this variant in disease. Therefore, it has been classified as a Variant of Uncertain Significance.